The following is an entry in ClinVar:

ClinVar aggregate classification (germline): Conflicting classifications of pathogenicity. Review status: criteria provided, conflicting classifications (1 of 4 stars). 4 submissions from 4 submitters: Likely pathogenic (3); Uncertain significance (1). Last evaluated 2024-10-18.

Conditions:
Dilated cardiomyopathy 1G (CMD1G). Identifiers: Orphanet 154, MedGen C1858763, MONDO:0011400, OMIM 604145.
Autosomal recessive limb-girdle muscular dystrophy type 2J (LGMDR10). Also called: Limb-girdle muscular dystrophy, type 2J; MUSCULAR DYSTROPHY, LIMB-GIRDLE, AUTOSOMAL RECESSIVE 10. Identifiers: Orphanet 140922, MedGen C1837342, MONDO:0012127, OMIM 608807.
Cardiovascular phenotype. Identifiers: MedGen CN230736.

Allele frequency attached by ClinVar (database versions not stated): gnomAD exomes below 0.00001.
gnomAD v4.1: 1 of 1,613,916 alleles (0.000062%); highest among the groups gnomAD compares: Non-Finnish European, 0.000085%; no homozygotes.

Submissions (4):

Labcorp Genetics (formerly Invitae), Labcorp
Classification: Likely pathogenic for Dilated cardiomyopathy 1G; Autosomal recessive limb-girdle muscular dystrophy type 2J. Last evaluated: 2024-10-18. Review status: criteria provided, single submitter. Criteria: Invitae Variant Classification Sherloc (09022015). Collection method: clinical testing. Allele origin: germline.
Comment: This sequence change creates a premature translational stop signal (p.Gln2178*) in the TTN gene. While this is not anticipated to result in nonsense mediated decay, it is expected to create a truncated TTN protein. This variant is present in population databases (no rsID available, gnomAD 0.0009%). This variant has not been reported in the literature in individuals affected with TTN-related conditions. ClinVar contains an entry for this variant (Variation ID: 432949). This variant is located in the I band of TTN (PMID: 25589632). Truncating variants in this region have been reported in individuals affected with autosomal recessive centronuclear myopathy (PMID: 23975875, internal data). Truncating variants in this region have also been identified in individuals affected with autosomal dominant dilated cardiomyopathy and/or cardio-related conditions (PMID: 27869827, 32964742, internal data). In summary, the currently available evidence indicates that the variant is pathogenic, but additional data are needed to prove that conclusively. Therefore, this variant has been classified as Likely Pathogenic.

KardioGenetik, Herz- und Diabeteszentrum NRW
Classification: Likely pathogenic for Dilated cardiomyopathy 1G. Last evaluated: 2023-08-09. Review status: criteria provided, single submitter. Criteria: ACMG Guidelines, 2015. Collection method: clinical testing. Allele origin: unknown. Affected: yes. Observed: 1 variant allele.

Ambry Genetics
Classification: Likely pathogenic for Cardiovascular phenotype. Last evaluated: 2021-10-29. Review status: criteria provided, single submitter. Criteria: Ambry Variant Classification Scheme 2023. Collection method: clinical testing. Allele origin: germline.
Comment: The p.Q2132* variant (also known as c.6394C>T), located in coding exon 27 of the TTN gene, results from a C to T substitution at nucleotide position 6394. This changes the amino acid from a glutamine to a stop codon within coding exon 27. This exon is located in the I-band region of the N2-B isoform of the titin protein and is constitutively expressed in TTN transcripts (percent spliced in or PSI 100%). This variant is considered to be rare based on population cohorts in the Genome Aggregation Database (gnomAD). This alteration is expected to result in loss of function by premature protein truncation or nonsense-mediated mRNA decay. While truncating variants in TTN are present in 1-3% of the general population, truncating variants in the A-band are the most common cause of dilated cardiomyopathy (DCM) (Herman DS et al. N. Engl. J. Med., 2012 Feb;366:619-28; Roberts AM et al. Sci Transl Med, 2015 Jan;7:270ra6). TTN truncating variants encoded in constitutive exons (PSI >90%) have been found to be significantly associated with DCM regardless of their position in titin (Schafer S et al. Nat. Genet., 2017 01;49:46-53). As such, this alteration is classified as likely pathogenic.

GeneDx
Classification: Uncertain significance. Last evaluated: 2017-06-26. Review status: criteria provided, single submitter. Criteria: GeneDx Variant Classification (06012015). Collection method: clinical testing. Allele origin: germline. Affected: yes.
Comment: The Q2178X variant in the TTN gene has not been reported as a pathogenic or benign to our knowledge. The Q2178X variant is not observed in large population cohorts (Lek et al., 2016; 1000 Genomes Consortium et al., 2015; Exome Variant Server). Q2178X is predicted to cause loss of normal protein function either by protein truncation or nonsense-mediated mRNA decay. Though truncating variants in TTN account for largest described genetic cause of dilated cardiomyopathy (Herman et al., 2012), these occur in the A-band. Whereas, the Q2178X variant is located elsewhere, in the I-band of TTN. Moreover, truncating variants in the TTN gene have been reported in approximately 3% of control alleles (Herman et al., 2012). Finally, in the absence of functional studies, the physiological consequence of this variant cannot be precisely determined.

Literature cited by the submitters: PubMed 25589632 (cited by Labcorp Genetics (formerly Invitae), Labcorp); PubMed 23975875 (cited by Labcorp Genetics (formerly Invitae), Labcorp); PubMed 27869827 (cited by Labcorp Genetics (formerly Invitae), Labcorp); PubMed 32964742 (cited by Labcorp Genetics (formerly Invitae), Labcorp).

NM_001267550.2(TTN):c.6532C>T (p.Gln2178Ter)

Gene: TTN (titin; minus strand). Cytogenetic location: 2q31.2.
Variant type: single nucleotide variant.
Coding change: c.6532C>T on transcript NM_001267550.2 (MANE Select); coding-DNA position 6532, C replaced by T.
Protein change: p.Gln2178Ter; replaces glutamine 2178 with a stop codon.
Molecular consequence: nonsense.
Genome position (GRCh38, 1-based): chr2:178,775,179, G>A on the plus strand (C>T on the coding strand, the complement: TTN is on the minus strand). VCF-style: chr2-178775179-G-A. GRCh37 (hg19) VCF-style: chr2-179639906-G-A.
Other names: c.6532C>T, p.Gln2178Ter (NM_001256850.1, NM_133378.4, NM_133379.5); c.6394C>T, p.Gln2132Ter (NM_003319.4, NM_133432.3, NM_133437.4); short protein forms Q2178*, Q2132*.
Identifiers: ClinVar variation 432949 (VCV000432949.13), dbSNP rs1193046655, ClinGen allele CA349682613.
Genomic context (GRCh38, chr2:178,775,179, plus strand): 5'-TTTCACATTCAAAGGTTGCCATAGTGTCTTTTTCCTTAGCAACAACATCTTGTAATTCCT[G>A]TGTGAAAGTGATCAATTGCTTGGCTACAAGAAAAAGGTGGGGGAAAAAGGGGAGAGCACA-3'